The following is an entry in ClinVar:

NM_003900.5(SQSTM1):c.1171G>A (p.Asp391Asn)

Gene: SQSTM1 (sequestosome 1; plus strand). Cytogenetic location: 5q35.3.
Variant type: single nucleotide variant.
Coding change: c.1171G>A on transcript NM_003900.5 (MANE Select); coding-DNA position 1171, G replaced by A.
Protein change: p.Asp391Asn; replaces aspartic acid 391 with asparagine.
Molecular consequence: missense variant.
Genome position (GRCh38, 1-based): chr5:179,836,441, G>A. VCF-style: chr5-179836441-G-A. GRCh37 (hg19) VCF-style: chr5-179263441-G-A.
Other names: c.919G>A, p.Asp307Asn (NM_001142298.2, NM_001142299.2); short protein forms D391N, D307N.
Identifiers: ClinVar variation 1408637 (VCV001408637.7), dbSNP rs2113524028, ClinGen allele CA362453590.

ClinVar aggregate classification (germline): Uncertain significance. Review status: criteria provided, multiple submitters, no conflicts (2 of 4 stars). 2 submissions from 2 submitters: Uncertain significance (2). Last evaluated 2026-07-01.

Conditions:
Frontotemporal dementia and/or amyotrophic lateral sclerosis 1 (FTDALS1). Also called: C9orf72 Frontotemporal Dementia and/or Amyotrophic Lateral Sclerosis; Frontotemporal dementia with motor neuron disease 1. Identifiers: Orphanet 275872, MedGen C5779877, MONDO:0007105, OMIM 105550.
Paget disease of bone 2, early-onset (PDB2). Also called: Paget disease of bone 2. Identifiers: MedGen C4085251, MONDO:0011183, OMIM 602080.

Submissions (2):

CeGaT Center for Human Genetics Tuebingen
Classification: Uncertain significance. Last evaluated: 2026-07-01. Review status: criteria provided, single submitter. Criteria: CeGaT Center For Human Genetics Tuebingen Variant Classification Criteria Version 2. Collection method: clinical testing. Allele origin: germline. Affected: yes. Observed: 1 variant allele.
Comment: SQSTM1: PM2

Labcorp Genetics (formerly Invitae), Labcorp
Classification: Uncertain significance for Paget disease of bone 2, early-onset; Frontotemporal dementia and/or amyotrophic lateral sclerosis 1. Last evaluated: 2023-07-17. Review status: criteria provided, single submitter. Criteria: Invitae Variant Classification Sherloc (09022015). Collection method: clinical testing. Allele origin: germline.
Comment: ClinVar contains an entry for this variant (Variation ID: 1408637). This variant has not been reported in the literature in individuals affected with SQSTM1-related conditions. This variant is not present in population databases (gnomAD no frequency). This sequence change replaces aspartic acid, which is acidic and polar, with asparagine, which is neutral and polar, at codon 391 of the SQSTM1 protein (p.Asp391Asn). Advanced modeling of protein sequence and biophysical properties (such as structural, functional, and spatial information, amino acid conservation, physicochemical variation, residue mobility, and thermodynamic stability) performed at Invitae indicates that this missense variant is not expected to disrupt SQSTM1 protein function. In summary, the available evidence is currently insufficient to determine the role of this variant in disease. Therefore, it has been classified as a Variant of Uncertain Significance.